The following is an entry in ClinVar:

ClinVar aggregate classification (germline): Uncertain significance (1 of 4 stars; one submission).

Conditions:
Arrhythmogenic right ventricular dysplasia 13. Also called: Arrhythmogenic right ventricular dysplasia, familial, 13; ARRHYTHMOGENIC RIGHT VENTRICULAR CARDIOMYOPATHY 13. Identifiers: MedGen C3810138, MONDO:0000908, OMIM 615616.

Allele frequency attached by ClinVar (database versions not stated): gnomAD 0.00004; TOPMed 0.00004; gnomAD exomes 0.00005; ExAC 0.00006; ESP Exome Variant Server 0.00023.
gnomAD v4.1: 75 of 1,609,900 alleles (0.0047%); highest among the groups gnomAD compares: Middle Eastern, 0.016%; no homozygotes.

Submission:

Labcorp Genetics (formerly Invitae), Labcorp
Classification: Uncertain significance for Arrhythmogenic right ventricular dysplasia 13. Last evaluated: 2026-01-20. Review status: criteria provided, single submitter. Criteria: Invitae Variant Classification Sherloc (09022015). Collection method: clinical testing. Allele origin: germline.
Comment: This sequence change replaces aspartic acid, which is acidic and polar, with valine, which is neutral and non-polar, at codon 608 of the CTNNA3 protein (p.Asp608Val). This variant is present in population databases (rs138314889, gnomAD 0.009%). This variant has not been reported in the literature in individuals affected with CTNNA3-related conditions. ClinVar contains an entry for this variant (Variation ID: 409009). Invitae Evidence Modeling of protein sequence and biophysical properties (such as structural, functional, and spatial information, amino acid conservation, physicochemical variation, residue mobility, and thermodynamic stability) indicates that this missense variant is not expected to disrupt CTNNA3 protein function with a negative predictive value of 80%. In summary, the available evidence is currently insufficient to determine the role of this variant in disease. Therefore, it has been classified as a Variant of Uncertain Significance.

NM_013266.4(CTNNA3):c.1823A>T (p.Asp608Val)

Gene: CTNNA3 (catenin alpha 3; minus strand). Cytogenetic location: 10q21.3.
Variant type: single nucleotide variant.
Coding change: c.1823A>T on transcript NM_013266.4 (MANE Select); coding-DNA position 1823, A replaced by T.
Protein change: p.Asp608Val; replaces aspartic acid 608 with valine.
Molecular consequence: missense variant.
Genome position (GRCh38, 1-based): chr10:66,280,531, T>A on the plus strand (A>T on the coding strand, the complement: CTNNA3 is on the minus strand). VCF-style: chr10-66280531-T-A. GRCh37 (hg19) VCF-style: chr10-68040289-T-A.
Other names: c.1823A>T, p.Asp608Val (NM_001127384.3); short protein forms D608V.
Identifiers: ClinVar variation 409009 (VCV000409009.10), dbSNP rs138314889, ClinGen allele CA5519809.
Genomic context (GRCh38, chr10:66,280,531, plus strand): 5'-CGAATCATCATGACTGAACATCTGATATCATGAATTGTATCATAGATCTTCTTTGAGATG[T>A]CCACAAATTGATTATCATCCAACACATTCAATGAGCTTTTGCTTAAGGCTTCCAAGGCAA-3'
Protein context (NP_037398.2, residues 598-618): LNVLDDNQFV[Asp608Val]ISKKIYDTIH